The following is an entry in ClinVar:

NM_022772.4(EPS8L2):c.1364C>T (p.Ser455Phe)

Gene: EPS8L2 (EPS8 signaling adaptor L2; plus strand). Cytogenetic location: 11p15.5.
Variant type: single nucleotide variant.
Coding change: c.1364C>T on transcript NM_022772.4 (MANE Select); coding-DNA position 1364, C replaced by T.
Protein change: p.Ser455Phe; replaces serine 455 with phenylalanine.
Molecular consequence: missense variant.
Genome position (GRCh38, 1-based): chr11:723,263, C>T. VCF-style: chr11-723263-C-T. GRCh37 (hg19) VCF-style: chr11-723263-C-T.
Other names: short protein forms S455F.
Identifiers: ClinVar variation 2098606 (VCV002098606.4), dbSNP rs2494648058, ClinGen allele CA378973247.

ClinVar aggregate classification (germline): Uncertain significance (1 of 4 stars; one submission).

Submission:

Labcorp Genetics (formerly Invitae), Labcorp
Classification: Uncertain significance. Last evaluated: 2022-05-22. Review status: criteria provided, single submitter. Criteria: Invitae Variant Classification Sherloc (09022015). Collection method: clinical testing. Allele origin: germline.
Comment: Algorithms developed to predict the effect of missense changes on protein structure and function (SIFT, PolyPhen-2, Align-GVGD) all suggest that this variant is likely to be tolerated. In summary, the available evidence is currently insufficient to determine the role of this variant in disease. Therefore, it has been classified as a Variant of Uncertain Significance. This variant has not been reported in the literature in individuals affected with EPS8L2-related conditions. This variant is not present in population databases (gnomAD no frequency). This sequence change replaces serine, which is neutral and polar, with phenylalanine, which is neutral and non-polar, at codon 455 of the EPS8L2 protein (p.Ser455Phe).